The following is an entry in ClinVar:

ClinVar aggregate classification (germline): Conflicting classifications of pathogenicity. Review status: criteria provided, conflicting classifications (1 of 4 stars). 2 submissions from 2 submitters: Uncertain significance (1); Likely benign (1). Last evaluated 2025-04-23.

Conditions:
Neuropathy, hereditary sensory and autonomic, type 1C. Also called: HSAN IC; HSN IC. Identifiers: Orphanet 36386, MedGen C3150896, MONDO:0013337, OMIM 613640.

gnomAD v4.1: 33 of 1,473,962 alleles (0.0022%); highest among the groups gnomAD compares: Non-Finnish European, 0.0018%; 1 homozygote.

Submissions (2):

Labcorp Genetics (formerly Invitae), Labcorp
Classification: Uncertain significance for Neuropathy, hereditary sensory and autonomic, type 1C. Last evaluated: 2025-04-23. Review status: criteria provided, single submitter. Criteria: Invitae Variant Classification Sherloc (09022015). Collection method: clinical testing. Allele origin: germline.
Comment: This sequence change falls in intron 1 of the SPTLC2 gene. It does not directly change the encoded amino acid sequence of the SPTLC2 protein. It affects a nucleotide within the consensus splice site. This variant is present in population databases (no rsID available, gnomAD 0.007%), including at least one homozygous and/or hemizygous individual. This variant has not been reported in the literature in individuals affected with SPTLC2-related conditions. Variants that disrupt the consensus splice site are a relatively common cause of aberrant splicing (PMID: 17576681, 9536098). Algorithms developed to predict the effect of sequence changes on RNA splicing suggest that this variant is not likely to affect RNA splicing. In summary, the available evidence is currently insufficient to determine the role of this variant in disease. Therefore, it has been classified as a Variant of Uncertain Significance.

Blueprint Genetics
Classification: Likely benign. Last evaluated: 2022-09-23. Review status: criteria provided, single submitter. Criteria: ACMG Guidelines, 2015. Collection method: clinical testing. Allele origin: germline.

Literature cited by the submitters: PubMed 17576681 (cited by Labcorp Genetics (formerly Invitae), Labcorp); PubMed 9536098 (cited by Labcorp Genetics (formerly Invitae), Labcorp).

NM_004863.4(SPTLC2):c.132+4C>T

Gene: SPTLC2 (serine palmitoyltransferase long chain base subunit 2; minus strand). Cytogenetic location: 14q24.3.
Variant type: single nucleotide variant.
Coding change: c.132+4C>T on transcript NM_004863.4 (MANE Select); 4 bases into the intron after coding-DNA position 132, C replaced by T.
Molecular consequence: intron variant.
Genome position (GRCh38, 1-based): chr14:77,616,444, G>A on the plus strand (C>T on the coding strand, the complement: SPTLC2 is on the minus strand). VCF-style: chr14-77616444-G-A. GRCh37 (hg19) VCF-style: chr14-78082787-G-A.
Identifiers: ClinVar variation 4804383 (VCV004804383.2).